The following is an entry in ClinVar:

NM_020937.4(FANCM):c.2164C>G (p.Gln722Glu)

Gene: FANCM (FA complementation group M; plus strand). Cytogenetic location: 14q21.2.
Variant type: single nucleotide variant.
Coding change: c.2164C>G on transcript NM_020937.4 (MANE Select); coding-DNA position 2164, C replaced by G.
Protein change: p.Gln722Glu; replaces glutamine 722 with glutamic acid.
Molecular consequence: missense variant.
Genome position (GRCh38, 1-based): chr14:45,173,058, C>G. VCF-style: chr14-45173058-C-G. GRCh37 (hg19) VCF-style: chr14-45642261-C-G.
Other names: c.2086C>G, p.Gln696Glu (NM_001308133.2); short protein forms Q696E, Q722E.
Identifiers: ClinVar variation 1933549 (VCV001933549.5), dbSNP rs2503172181, ClinGen allele CA389596587.

ClinVar aggregate classification (germline): Uncertain significance (1 of 4 stars; one submission).

Conditions:
Fanconi anemia (FA). Also called: Fanconi's anemia. Identifiers: Orphanet 84, MedGen C0015625, MeSH D005199, MONDO:0019391.

Submission:

Labcorp Genetics (formerly Invitae), Labcorp
Classification: Uncertain significance for Fanconi anemia. Last evaluated: 2022-05-15. Review status: criteria provided, single submitter. Criteria: Invitae Variant Classification Sherloc (09022015). Collection method: clinical testing. Allele origin: germline.
Comment: This variant has not been reported in the literature in individuals affected with FANCM-related conditions. In summary, the available evidence is currently insufficient to determine the role of this variant in disease. Therefore, it has been classified as a Variant of Uncertain Significance. Algorithms developed to predict the effect of missense changes on protein structure and function output the following: SIFT: "Tolerated"; PolyPhen-2: "Benign"; Align-GVGD: "Class C0". The glutamic acid amino acid residue is found in multiple mammalian species, which suggests that this missense change does not adversely affect protein function. This variant is not present in population databases (gnomAD no frequency). This sequence change replaces glutamine, which is neutral and polar, with glutamic acid, which is acidic and polar, at codon 722 of the FANCM protein (p.Gln722Glu).